The following is an entry in ClinVar:

NM_003128.3(SPTBN1):c.1799G>A (p.Gly600Asp)

Gene: SPTBN1 (spectrin beta, non-erythrocytic 1; plus strand). Cytogenetic location: 2p16.2.
Variant type: single nucleotide variant.
Coding change: c.1799G>A on transcript NM_003128.3 (MANE Select); coding-DNA position 1799, G replaced by A.
Protein change: p.Gly600Asp; replaces glycine 600 with aspartic acid.
Molecular consequence: missense variant.
Genome position (GRCh38, 1-based): chr2:54,628,933, G>A. VCF-style: chr2-54628933-G-A. GRCh37 (hg19) VCF-style: chr2-54856070-G-A.
Other names: c.1760G>A, p.Gly587Asp (NM_178313.3); short protein forms G587D, G600D.
Identifiers: ClinVar variation 4996946 (VCV004996946.1).

ClinVar aggregate classification (germline): Uncertain significance (1 of 4 stars; one submission).

Conditions:
SPTBN1-related disorder. Also called: SPTBN1-related condition.

Submission:

PreventionGenetics, part of Exact Sciences
Classification: Uncertain significance for SPTBN1-related condition. Last evaluated: 2024-12-09. Review status: criteria provided, single submitter. Criteria: ACMG Guidelines, 2015. Collection method: clinical testing. Allele origin: germline.
Comment: The SPTBN1 c.1799G>A variant is predicted to result in the amino acid substitution p.Gly600Asp. To our knowledge, this variant has not been reported in the literature or in a large population database (gnomAD), indicating this variant is rare. At this time, the clinical significance of this variant is uncertain due to the absence of conclusive functional and genetic evidence.